The following is an entry in ClinVar:

ClinVar aggregate classification (germline): Uncertain significance (1 of 4 stars; one submission).

Allele frequency attached by ClinVar (database versions not stated): ExAC 0.00001.

Submission:

Ambry Genetics
Classification: Uncertain significance. Last evaluated: 2024-02-09. Review status: criteria provided, single submitter. Criteria: Ambry Variant Classification Scheme 2023. Collection method: clinical testing. Allele origin: germline.
Comment: The p.D438N variant (also known as c.1312G>A), located in coding exon 3 of the ALPK2 gene, results from a G to A substitution at nucleotide position 1312. The aspartic acid at codon 438 is replaced by asparagine, an amino acid with highly similar properties. This amino acid position is conserved. In addition, this alteration is predicted to be tolerated by in silico analysis. Based on the available evidence, the clinical significance of this alteration remains unclear.

NM_052947.4(ALPK2):c.1312G>A (p.Asp438Asn)

Gene: ALPK2 (alpha kinase 2; minus strand). Cytogenetic location: 18q21.31.
Variant type: single nucleotide variant.
Coding change: c.1312G>A on transcript NM_052947.4 (MANE Select); coding-DNA position 1312, G replaced by A.
Protein change: p.Asp438Asn; replaces aspartic acid 438 with asparagine.
Molecular consequence: missense variant.
Genome position (GRCh38, 1-based): chr18:58,579,464, C>T on the plus strand (G>A on the coding strand, the complement: ALPK2 is on the minus strand). VCF-style: chr18-58579464-C-T. GRCh37 (hg19) VCF-style: chr18-56246696-C-T.
Other names: short protein forms D438N.
Identifiers: ClinVar variation 3228566 (VCV003228566.1), dbSNP rs762270872, ClinGen allele CA8977282.